The following is an entry in ClinVar:

NM_000747.3(CHRNB1):c.1154G>C (p.Arg385Pro)

Gene: CHRNB1 (cholinergic receptor nicotinic beta 1 subunit; plus strand). Cytogenetic location: 17p13.1.
Variant type: single nucleotide variant.
Coding change: c.1154G>C on transcript NM_000747.3 (MANE Select); coding-DNA position 1154, G replaced by C.
Protein change: p.Arg385Pro; replaces arginine 385 with proline.
Molecular consequence: missense variant.
Genome position (GRCh38, 1-based): chr17:7,455,393, G>C. VCF-style: chr17-7455393-G-C. GRCh37 (hg19) VCF-style: chr17-7358712-G-C.
Other names: short protein forms R385P.
Identifiers: ClinVar variation 1369267 (VCV001369267.8), dbSNP rs1222134398, ClinGen allele CA397801150.
Genomic context (GRCh38, chr17:7,455,393, plus strand): 5'-CCGAGAGAGACCTGATGCCGGAGCCCCCTCACTGTTCTTCTCCAGGAAGTGGCTGGGGTC[G>C]GGGAACAGATGAATATTTCATCCGGAAGCCGCCAAGTGATTTTCTCTTCCCCAAACCCAA-3'
Protein context (NP_000738.2, residues 375-395): HCSSPGSGWG[Arg385Pro]GTDEYFIRKP

ClinVar aggregate classification (germline): Uncertain significance (1 of 4 stars; one submission).

Conditions:
Congenital myasthenic syndrome 2A. Also called: Myasthenic syndrome, congenital, 2a, slow-channel. Identifiers: Orphanet 590, MedGen C4225374, MONDO:0014581, OMIM 616313.

Allele frequency attached by ClinVar (database versions not stated): gnomAD 0.00001.
gnomAD v4.1: 1 of 1,613,992 alleles (0.000062%); highest among the groups gnomAD compares: South Asian, 0.0011%; no homozygotes.

Submission:

Labcorp Genetics (formerly Invitae), Labcorp
Classification: Uncertain significance for Congenital myasthenic syndrome 2A. Last evaluated: 2024-07-23. Review status: criteria provided, single submitter. Criteria: Invitae Variant Classification Sherloc (09022015). Collection method: clinical testing. Allele origin: germline.
Comment: This sequence change replaces arginine, which is basic and polar, with proline, which is neutral and non-polar, at codon 385 of the CHRNB1 protein (p.Arg385Pro). This variant is not present in population databases (gnomAD no frequency). This variant has not been reported in the literature in individuals affected with CHRNB1-related conditions. ClinVar contains an entry for this variant (Variation ID: 1369267). Advanced modeling of protein sequence and biophysical properties (such as structural, functional, and spatial information, amino acid conservation, physicochemical variation, residue mobility, and thermodynamic stability) performed at Invitae indicates that this missense variant is not expected to disrupt CHRNB1 protein function with a negative predictive value of 80%. In summary, the available evidence is currently insufficient to determine the role of this variant in disease. Therefore, it has been classified as a Variant of Uncertain Significance.